The following is an entry in ClinVar:

NM_017668.3(NDE1):c.*238C>G

Genes: MYH11 (myosin heavy chain 11; minus strand), NDE1 (nudE neurodevelopment protein 1; plus strand). Cytogenetic location: 16p13.11.
Variant type: single nucleotide variant.
Coding change: c.*238C>G on transcript NM_017668.3 (MANE Select); 238 bases downstream of the stop codon, C replaced by G.
Molecular consequence: 3 prime UTR variant. On other transcripts: intron variant (4).
Genome position (GRCh38, 1-based): chr16:15,724,489, C>G. VCF-style: chr16-15724489-C-G. GRCh37 (hg19) VCF-style: chr16-15818346-C-G.
Other names: c.*238C>G (NM_001143979.2); c.4117-80G>C (NM_002474.3, NM_022844.3); c.4138-80G>C (NM_001040114.2, NM_001040113.2).
Identifiers: ClinVar variation 318116 (VCV000318116.6), dbSNP rs7196012, ClinGen allele CA10643061.

ClinVar aggregate classification (germline): Likely benign (1 of 4 stars; one submission).

Conditions:
Lissencephaly 4 (LIS4). Also called: Lissencephaly 4 (with microcephaly). Identifiers: Orphanet 1083, MedGen C3151461, MONDO:0013527, OMIM 614019.

Allele frequency attached by ClinVar (database versions not stated): 1000 Genomes Project 0.00260; 1000 Genomes Project 30x 0.00297; TOPMed 0.00388; gnomAD 0.00411.
gnomAD v4.1: 1,775 of 1,608,680 alleles (0.11%); highest among the groups gnomAD compares: African/African-American, 1.3%; 9 homozygotes.

Submission:

Illumina Laboratory Services, Illumina
Classification: Likely benign for Lissencephaly 4. Last evaluated: 2018-01-12. Review status: criteria provided, single submitter. Criteria: ICSL Variant Classification Criteria 13 December 2019. Collection method: clinical testing. Allele origin: germline.
Comment: This variant was observed in the ICSL laboratory as part of a predisposition screen in an ostensibly healthy population. It had not been previously curated by ICSL or reported in the Human Gene Mutation Database (HGMD: prior to June 1st, 2018), and was therefore a candidate for classification through an automated scoring system. Utilizing variant allele frequency, disease prevalence and penetrance estimates, and inheritance mode, an automated score was calculated to assess if this variant is too frequent to cause the disease. Based on the score and internal cut-off values, a variant classified as likely benign is not then subjected to further curation. The score for this variant resulted in a classification of likely benign for this disease.